The following is an entry in ClinVar:

NM_017636.4(TRPM4):c.796+16C>G

Gene: TRPM4 (transient receptor potential cation channel subfamily M member 4; plus strand). Cytogenetic location: 19q13.33.
Variant type: single nucleotide variant.
Coding change: c.796+16C>G on transcript NM_017636.4 (MANE Select); 16 bases into the intron after coding-DNA position 796, C replaced by G.
Molecular consequence: intron variant.
Genome position (GRCh38, 1-based): chr19:49,168,752, C>G. VCF-style: chr19-49168752-C-G. GRCh37 (hg19) VCF-style: chr19-49672009-C-G.
Other names: c.796+16C>G (NM_001195227.2); c.-758+16C>G (NM_001321282.2); c.451+16C>G (NM_001321281.2); c.274+16C>G (NM_001321283.2); c.-54+16C>G (NM_001321285.2).
Identifiers: ClinVar variation 507177 (VCV000507177.9), dbSNP rs779490161, ClinGen allele CA9568950.

ClinVar aggregate classification (germline): Likely benign. Review status: criteria provided, multiple submitters, no conflicts (2 of 4 stars). 3 submissions from 3 submitters: Likely benign (3). Last evaluated 2026-01-27.

Conditions:
Progressive familial heart block type IB (PFHB1B). Identifiers: Orphanet 871, MedGen C1970298, MONDO:0011474, OMIM 604559.

Allele frequency attached by ClinVar (database versions not stated): TOPMed 0.00001; gnomAD exomes 0.00003 and 0.00005; ExAC 0.00005; gnomAD 0.00013 and 0.00014.
gnomAD v4.1: 86 of 1,576,718 alleles (0.0055%); highest among the groups gnomAD compares: Non-Finnish European, 0.0064%; no homozygotes.

Submissions (3):

Labcorp Genetics (formerly Invitae), Labcorp
Classification: Likely benign for Progressive familial heart block type IB. Last evaluated: 2026-01-27. Review status: criteria provided, single submitter. Criteria: Invitae Variant Classification Sherloc (09022015). Collection method: clinical testing. Allele origin: germline.

Blueprint Genetics
Classification: Likely benign. Last evaluated: 2024-10-17. Review status: criteria provided, single submitter. Criteria: ACMG Guidelines, 2015. Collection method: clinical testing. Allele origin: germline.

GeneDx
Classification: Likely benign. Last evaluated: 2017-02-01. Review status: criteria provided, single submitter. Criteria: GeneDx Variant Classification (06012015). Collection method: clinical testing. Allele origin: germline. Affected: yes.
Comment: This variant is considered likely benign or benign based on one or more of the following criteria: it is a conservative change, it occurs at a poorly conserved position in the protein, it is predicted to be benign by multiple in silico algorithms, and/or has population frequency not consistent with disease.